The following is an entry in ClinVar:

ClinVar aggregate classification (germline): Conflicting classifications of pathogenicity. Review status: criteria provided, conflicting classifications (1 of 4 stars). 2 submissions from 2 submitters: Uncertain significance (1); Likely benign (1). Last evaluated 2025-05-29.

Conditions:
Hereditary cancer-predisposing syndrome. Also called: Tumor predisposition; Hereditary neoplastic syndrome; Hereditary Cancer Syndrome; Neoplastic Syndromes, Hereditary. Identifiers: Orphanet 140162, MedGen C0027672, MeSH D009386, MONDO:0015356.
Neuroblastoma, susceptibility to, 3. Also called: ALK-Related Neuroblastic Tumor Susceptibility. Identifiers: Orphanet 635, MedGen C2751681, MONDO:0013083, OMIM 613014.

Allele frequency attached by ClinVar (database versions not stated): TOPMed below 0.00001; gnomAD exomes 0.00001 and 0.00002; ExAC 0.00002.
gnomAD v4.1: 9 of 1,586,108 alleles (0.00057%); highest among the groups gnomAD compares: South Asian, 0.0033%; no homozygotes.

Submissions (2):

Ambry Genetics
Classification: Uncertain significance for Hereditary cancer-predisposing syndrome. Last evaluated: 2025-05-29. Review status: criteria provided, single submitter. Criteria: Ambry Variant Classification Scheme 2023. Collection method: clinical testing. Allele origin: germline.
Comment: The c.2802C>T variant (also known as p.G934G), located in coding exon 16 of the ALK gene, results from a C to T substitution at nucleotide position 2802. This nucleotide substitution does not change the glycine at codon 934. This nucleotide position is highly conserved in available vertebrate species. In silico splice site analysis for this alteration is inconclusive. Based on the available evidence, the clinical significance of this variant remains unclear.

Labcorp Genetics (formerly Invitae), Labcorp
Classification: Likely benign for Neuroblastoma, susceptibility to, 3. Last evaluated: 2025-05-25. Review status: criteria provided, single submitter. Criteria: Invitae Variant Classification Sherloc (09022015). Collection method: clinical testing. Allele origin: germline.

NM_004304.5(ALK):c.2802C>T (p.Gly934=)

Gene: ALK (ALK receptor tyrosine kinase; minus strand). Cytogenetic location: 2p23.2.
Variant type: single nucleotide variant.
Coding change: c.2802C>T on transcript NM_004304.5 (MANE Select); coding-DNA position 2802, C replaced by T.
Protein change: p.Gly934=; no amino-acid change (glycine 934 retained).
Molecular consequence: synonymous variant.
Genome position (GRCh38, 1-based): chr2:29,228,897, G>A on the plus strand (C>T on the coding strand, the complement: ALK is on the minus strand). VCF-style: chr2-29228897-G-A. GRCh37 (hg19) VCF-style: chr2-29451763-G-A.
Identifiers: ClinVar variation 702297 (VCV000702297.11), dbSNP rs751581475, ClinGen allele CA1594194.